The following is an entry in ClinVar:

ClinVar aggregate classification (germline): not provided (0 of 4 stars; one submission).

Allele frequency attached by ClinVar (database versions not stated): gnomAD 0.00009 and 0.00010; TOPMed 0.00009.
gnomAD v4.1: 13 of 152,320 alleles (0.0085%); highest among the groups gnomAD compares: Non-Finnish European, 0.013%; no homozygotes.

Submission:

Human Evolutionary Genetics, Institut Pasteur
No classification provided. Review status: no classification provided. Collection method: not provided. Allele origin: germline.
ClinVar note: Converted during submission from untested to not provided.

NM_001276700.2(NLRP6):c.29+222A>G

Gene: NLRP6 (NLR family pyrin domain containing 6; plus strand). Cytogenetic location: 11p15.5.
Variant type: single nucleotide variant.
Coding change: c.29+222A>G on transcript NM_001276700.2 (MANE Select); 222 bases into the intron after coding-DNA position 29, A replaced by G.
Molecular consequence: intron variant.
Genome position (GRCh38, 1-based): chr11:278,820, A>G. VCF-style: chr11-278820-A-G. GRCh37 (hg19) VCF-style: chr11-278820-A-G.
Other names: c.29+222A>G (NM_138329.2).
Identifiers: ClinVar variation 103245 (VCV000103245.2), dbSNP rs199475789, ClinGen allele CA230311.